The following is an entry in ClinVar:

NM_001999.4(FBN2):c.4407G>A (p.Pro1469=)

Gene: FBN2 (fibrillin 2; minus strand). Cytogenetic location: 5q23.3.
Variant type: single nucleotide variant.
Coding change: c.4407G>A on transcript NM_001999.4 (MANE Select); coding-DNA position 4407, G replaced by A.
Protein change: p.Pro1469=; no amino-acid change (proline 1469 retained).
Molecular consequence: synonymous variant.
Genome position (GRCh38, 1-based): chr5:128,328,760, C>T on the plus strand (G>A on the coding strand, the complement: FBN2 is on the minus strand). VCF-style: chr5-128328760-C-T. GRCh37 (hg19) VCF-style: chr5-127664452-C-T.
Identifiers: ClinVar variation 263838 (VCV000263838.21), dbSNP rs546172367, ClinGen allele CA3394969.
Genomic context (GRCh38, chr5:128,328,760, plus strand): 5'-GCAGGATCTGCTGTCTGAGGCTGGAGTGAAGCCCATCTCACACTCGCAGCGATATGCACC[C>T]GGGACATTAAGGCACTGTCCGTTCTCACAGAGGTTTATGTTTTCTGCACACTCATCAACA-3'
Protein context (NP_001990.2, residues 1459-1479): LCENGQCLNV[Pro1469=]GAYRCECEMG

ClinVar aggregate classification (germline): Conflicting classifications of pathogenicity. Review status: criteria provided, conflicting classifications (1 of 4 stars). 3 submissions from 3 submitters: Uncertain significance (1); Benign (1); Likely benign (1). Last evaluated 2023-10-27.

Conditions:
Congenital contractural arachnodactyly (CCA). Also called: BEALS SYNDROME; Beals-Hecht syndrome; Arthrogryposis, distal, type 9. Identifiers: Orphanet 115, MedGen C0220668, MONDO:0007363, OMIM 121050.
Familial thoracic aortic aneurysm and aortic dissection (TAAD). Also called: Thoracic aortic aneurysms and dissections. Identifiers: Orphanet 91387, MedGen C4707243, MONDO:0019625.

Allele frequency attached by ClinVar (database versions not stated): ExAC 0.00001; gnomAD exomes 0.00001 and 0.00003; TOPMed 0.00002.
gnomAD v4.1: 44 of 1,614,034 alleles (0.0027%); highest among the groups gnomAD compares: Non-Finnish European, 0.0032%; no homozygotes.

Submissions (3):

Labcorp Genetics (formerly Invitae), Labcorp
Classification: Benign for Congenital contractural arachnodactyly. Last evaluated: 2023-10-27. Review status: criteria provided, single submitter. Criteria: Invitae Variant Classification Sherloc (09022015). Collection method: clinical testing. Allele origin: germline.

ARUP Laboratories, Molecular Genetics and Genomics, ARUP Laboratories
Classification: Uncertain significance. Last evaluated: 2020-02-07. Review status: criteria provided, single submitter. Criteria: ARUP Molecular Germline Variant Investigation Process. Collection method: clinical testing. Allele origin: germline.
Comment: The FBN2 c.4407G>A; p.Pro1469Pro variant (rs546172367), to our knowledge, is not reported in the medical literature but is reported with conflicting interpretations of pathogenicity in ClinVar (Variation ID: 263838). This variant is found on only three chromosomes (3/251314 alleles) in the Genome Aggregation Database. This is a synonymous variant in a weakly conserved nucleotide, but computational analyses (Alamut v.2.11) predict that this variant may impact splicing by creating a novel cryptic splice site, although RNA analyses would be required to confirm this. Given the lack of clinical and functional data, the significance of the c.4407G>A variant is uncertain at this time.

Ambry Genetics
Classification: Likely benign for Familial thoracic aortic aneurysm and aortic dissection. Last evaluated: 2014-06-24. Review status: criteria provided, single submitter. Criteria: Ambry Variant Classification Scheme 2023. Collection method: clinical testing. Allele origin: germline.